The following is an entry in ClinVar:

ClinVar aggregate classification (germline): Pathogenic (1 of 4 stars; one submission).

Conditions:
Joubert syndrome. Also called: JOUBERT-BOLTSHAUSER SYNDROME; Familial aplasia of the vermis. Identifiers: Orphanet 475, MedGen C5979921, MONDO:0018772.
Meckel-Gruber syndrome. Also called: DYSENCEPHALIA SPLANCHNOCYSTICA; GRUBER SYNDROME; Dysencephalia splachnocystica. Identifiers: Orphanet 564, MedGen C0265215, MONDO:0018921.

Submission:

Labcorp Genetics (formerly Invitae), Labcorp
Classification: Pathogenic for Joubert syndrome; Meckel-Gruber syndrome. Last evaluated: 2023-01-28. Review status: criteria provided, single submitter. Criteria: Invitae Variant Classification Sherloc (09022015). Collection method: clinical testing. Allele origin: germline.
Comment: This sequence change creates a premature translational stop signal (p.Phe1299Leufs*9) in the CC2D2A gene. It is expected to result in an absent or disrupted protein product. Loss-of-function variants in CC2D2A are known to be pathogenic (PMID: 19777577). This variant is not present in population databases (gnomAD no frequency). This variant has not been reported in the literature in individuals affected with CC2D2A-related conditions. Algorithms developed to predict the effect of sequence changes on RNA splicing suggest that this variant may disrupt the consensus splice site. For these reasons, this variant has been classified as Pathogenic.

Literature cited by the submitters: PubMed 19777577.

NM_001378615.1(CC2D2A):c.3897del (p.Phe1299fs)

Genes: CC2D2A (coiled-coil and C2 domain containing 2A; plus strand), FBXL5 (F-box and leucine rich repeat protein 5; minus strand). Cytogenetic location: 4p15.32.
Variant type: Deletion.
Coding change: c.3897del on transcript NM_001378615.1 (MANE Select); coding-DNA position 3897, one base deleted (T; older notation c.3897delT).
Protein change: p.Phe1299fs; shifts the reading frame from phenylalanine 1299.
Molecular consequence: frameshift variant.
Genome position (GRCh38, 1-based): chr4:15,580,093, T deleted; the last of 5 consecutive T bases (chr4:15,580,089-15,580,093); deleting any one gives the same sequence. VCF-style (leftmost placement, unchanged base first): chr4-15580088-GT-G. GRCh37 (hg19) VCF-style: chr4-15581711-GT-G.
Other names: c.3897del, p.Phe1299fs (NM_001080522.2); c.3750del, p.Phe1250fs (NM_001378617.1); short protein forms F1299fs, F1250fs.
Identifiers: ClinVar variation 2937438 (VCV002937438.3), dbSNP rs776159564, ClinGen allele CA438390565.
Genomic context (GRCh38, chr4:15,580,088, plus strand): 5'-GCCTTAAAGTTTCCAAATCGTCAGTGCCTTACAACAGTAATTGATATAAGCGGAAAAACT[GT>G]TTTTATCACACGTTATCTCAAACCTTTAAACCCTCCTCAGGAGCTCCTTAATGTCTACCC-3'